The following is an entry in ClinVar:

NM_006206.6(PDGFRA):c.2404G>T (p.Val802Phe)

Gene: PDGFRA (platelet derived growth factor receptor alpha; plus strand). Cytogenetic location: 4q12.
Variant type: single nucleotide variant.
Coding change: c.2404G>T on transcript NM_006206.6 (MANE Select); coding-DNA position 2404, G replaced by T.
Protein change: p.Val802Phe; replaces valine 802 with phenylalanine.
Molecular consequence: missense variant.
Genome position (GRCh38, 1-based): chr4:54,285,451, G>T. VCF-style: chr4-54285451-G-T. GRCh37 (hg19) VCF-style: chr4-55151618-G-T.
Other names: c.2479G>T, p.Val827Phe (NM_001347828.2); c.2404G>T, p.Val802Phe (NM_001347829.2); c.2443G>T, p.Val815Phe (NM_001347830.2); short protein forms V802F, V827F, V815F.
Identifiers: ClinVar variation 577362 (VCV000577362.10), dbSNP rs1560488985, ClinGen allele CA356894758.
Genomic context (GRCh38, chr4:54,285,451, plus strand): 5'-CTTTCAGATGATAACTCAGAAGGCCTTACTTTATTGGATTTGTTGAGCTTCACCTATCAA[G>T]TTGCCCGAGGAATGGAGTTTTTGGCTTCAAAAAATGTAAGTTCAAGGAACACAGACCTTT-3'
Protein context (NP_006197.1, residues 792-812): LLDLLSFTYQ[Val802Phe]ARGMEFLASK

ClinVar aggregate classification (germline): Uncertain significance. Review status: criteria provided, multiple submitters, no conflicts (2 of 4 stars). 2 submissions from 2 submitters: Uncertain significance (2). Last evaluated 2025-10-01.

Conditions:
Gastrointestinal stromal tumor. Also called: Gastrointestinal stromal tumor, somatic; Gastrointestinal stroma tumor. Identifiers: Orphanet 44890, MedGen C0238198, MeSH D046152, MONDO:0011719, OMIM 606764, HP:0100723.
Hereditary cancer-predisposing syndrome. Also called: Hereditary Cancer Syndrome; Tumor predisposition; Neoplastic Syndromes, Hereditary; Hereditary neoplastic syndrome. Identifiers: Orphanet 140162, MedGen C0027672, MeSH D009386, MONDO:0015356.

Submissions (2):

Labcorp Genetics (formerly Invitae), Labcorp
Classification: Uncertain significance for Gastrointestinal stromal tumor. Last evaluated: 2025-10-01. Review status: criteria provided, single submitter. Criteria: Invitae Variant Classification Sherloc (09022015). Collection method: clinical testing. Allele origin: germline.
Comment: This sequence change replaces valine, which is neutral and non-polar, with phenylalanine, which is neutral and non-polar, at codon 802 of the PDGFRA protein (p.Val802Phe). This variant is not present in population databases (gnomAD no frequency). This variant has not been reported in the literature in individuals affected with PDGFRA-related conditions. ClinVar contains an entry for this variant (Variation ID: 577362). Invitae Evidence Modeling of protein sequence and biophysical properties (such as structural, functional, and spatial information, amino acid conservation, physicochemical variation, residue mobility, and thermodynamic stability) indicates that this missense variant is expected to disrupt PDGFRA protein function with a positive predictive value of 80%. In summary, the available evidence is currently insufficient to determine the role of this variant in disease. Therefore, it has been classified as a Variant of Uncertain Significance.

Ambry Genetics
Classification: Uncertain significance for Hereditary cancer-predisposing syndrome. Last evaluated: 2025-06-13. Review status: criteria provided, single submitter. Criteria: Ambry Variant Classification Scheme 2023. Collection method: clinical testing. Allele origin: germline.
Comment: The p.V802F variant (also known as c.2404G>T), located in coding exon 16 of the PDGFRA gene, results from a G to T substitution at nucleotide position 2404. The valine at codon 802 is replaced by phenylalanine, an amino acid with highly similar properties. This amino acid position is conserved. In addition, this alteration is predicted to be deleterious by in silico analysis. Based on the available evidence, the clinical significance of this variant remains unclear.